The following is an entry in ClinVar:

ClinVar aggregate classification (germline): Uncertain significance (1 of 4 stars; one submission).

Allele frequency attached by ClinVar (database versions not stated): gnomAD 0.00001; gnomAD exomes 0.00001; ExAC 0.00003; 1000 Genomes Project 30x 0.00016; 1000 Genomes Project 0.00020.
gnomAD v4.1: 15 of 1,613,822 alleles (0.00093%); highest among the groups gnomAD compares: South Asian, 0.013%; no homozygotes.

Submission:

Ambry Genetics
Classification: Uncertain significance. Last evaluated: 2023-03-18. Review status: criteria provided, single submitter. Criteria: Ambry Variant Classification Scheme 2023. Collection method: clinical testing. Allele origin: germline.
Comment: The p.A677T variant (also known as c.2029G>A), located in coding exon 4 of the ALPK2 gene, results from a G to A substitution at nucleotide position 2029. The alanine at codon 677 is replaced by threonine, an amino acid with similar properties. This amino acid position is conserved. In addition, this alteration is predicted to be tolerated by in silico analysis. Since supporting evidence is limited at this time, the clinical significance of this alteration remains unclear.

NM_052947.4(ALPK2):c.2029G>A (p.Ala677Thr)

Gene: ALPK2 (alpha kinase 2; minus strand). Cytogenetic location: 18q21.31.
Variant type: single nucleotide variant.
Coding change: c.2029G>A on transcript NM_052947.4 (MANE Select); coding-DNA position 2029, G replaced by A.
Protein change: p.Ala677Thr; replaces alanine 677 with threonine.
Molecular consequence: missense variant.
Genome position (GRCh38, 1-based): chr18:58,538,158, C>T on the plus strand (G>A on the coding strand, the complement: ALPK2 is on the minus strand). VCF-style: chr18-58538158-C-T. GRCh37 (hg19) VCF-style: chr18-56205390-C-T.
Other names: short protein forms A677T.
Identifiers: ClinVar variation 2561783 (VCV002561783.2), dbSNP rs546781116, ClinGen allele CA8977137.
Genomic context (GRCh38, chr18:58,538,158, plus strand): 5'-CCCCTCCTAAGTTTGAGAAGGAAATTGTTGTGGTCCCAGTGAATGGGGACTCCTCCCCAG[C>T]AGGCTCTGAGAAAGCTGGCATCTGGCTGCAAGAGATTGTCTCTCTGACTGTTTCCTGAAC-3'
Protein context (NP_443179.3, residues 667-687): CSQMPAFSEP[Ala677Thr]GEESPFTGTT